The following is an entry in ClinVar:

NR_003255.2(TSIX):n.29775C>T

Genes: TSIX (TSIX transcript, XIST antisense RNA; plus strand), XIST (X inactive specific transcript; minus strand). Cytogenetic location: Xq13.2.
Variant type: single nucleotide variant.
Molecular consequence: non-coding transcript variant (on NR_003255.2).
Genome position: GRCh38 VCF-style: chrX-73821979-C-T. GRCh37 (hg19) VCF-style: chrX-73041814-C-T.
Identifiers: ClinVar variation 3036287 (VCV003036287.2), dbSNP rs761023938, ClinGen allele CA10451840.

ClinVar aggregate classification (germline): Likely benign (0 of 4 stars; one submission).

Conditions:
TSIX-related disorder. Also called: TSIX-related condition.

Allele frequency attached by ClinVar (database versions not stated): gnomAD 0.00008; TOPMed 0.00010; gnomAD exomes 0.00014; ExAC 0.00019.
gnomAD v4.1: 72 of 556,383 alleles (0.013%); highest among the groups gnomAD compares: Non-Finnish European, 0.0045%; no homozygotes.

Submission:

PreventionGenetics, part of Exact Sciences
Classification: Likely benign for TSIX-related condition. Last evaluated: 2022-02-24. Review status: no assertion criteria provided. Collection method: clinical testing. Allele origin: germline.
Comment: This variant is classified as likely benign based on ACMG/AMP sequence variant interpretation guidelines (Richards et al. 2015 PMID: 25741868, with internal and published modifications).